The following is an entry in ClinVar:

NM_000548.5(TSC2):c.3985C>T (p.Arg1329Cys)

Gene: TSC2 (TSC complex subunit 2; plus strand). Cytogenetic location: 16p13.3.
Variant type: single nucleotide variant.
Coding change: c.3985C>T on transcript NM_000548.5 (MANE Select); coding-DNA position 3985, C replaced by T.
Protein change: p.Arg1329Cys; replaces arginine 1329 with cysteine.
Molecular consequence: missense variant.
Genome position (GRCh38, 1-based): chr16:2,083,796, C>T. VCF-style: chr16-2083796-C-T. GRCh37 (hg19) VCF-style: chr16-2133797-C-T.
Other names: c.3784C>T, p.Arg1262Cys (NM_001077183.3); c.3916C>T, p.Arg1306Cys (NM_001114382.3); c.3676C>T, p.Arg1226Cys (NM_001318827.2); c.3640C>T, p.Arg1214Cys (NM_001318829.2); c.3253C>T, p.Arg1085Cys (NM_001318831.2); c.3817C>T, p.Arg1273Cys (NM_001318832.2); c.3787C>T, p.Arg1263Cys (NM_001363528.2); c.3853C>T, p.Arg1285Cys (NM_001370404.1); and 2 more; short protein forms R1329C, R1273C, R1085C, R1262C, R1263C, R1285C, R1286C, R1214C.
Identifiers: ClinVar variation 535925 (VCV000535925.22), dbSNP rs747695245, ClinGen allele CA049839.

ClinVar aggregate classification (germline): Conflicting classifications of pathogenicity. Review status: criteria provided, conflicting classifications (1 of 4 stars). 5 submissions from 5 submitters: Uncertain significance (1); Benign (1); Likely benign (2). 1 of the submissions does not count toward it. Last evaluated 2026-04-29.

Conditions:
TSC2-related disorder. Also called: TSC2-Related Disorders; TSC2-related condition.
Hereditary cancer-predisposing syndrome. Also called: Tumor predisposition; Hereditary neoplastic syndrome; Neoplastic Syndromes, Hereditary; Hereditary Cancer Syndrome. Identifiers: Orphanet 140162, MedGen C0027672, MeSH D009386, MONDO:0015356.
Tuberous sclerosis syndrome (TSC). Also called: Tuberous Sclerosis Complex; Tuberous sclerosis. Identifiers: Orphanet 805, MedGen C0041341, MONDO:0001734.
Tuberous sclerosis 2 (TSC2). Identifiers: Orphanet 805, MedGen C1860707, MONDO:0013199, OMIM 613254.

Allele frequency attached by ClinVar (database versions not stated): gnomAD 0.00001; gnomAD exomes 0.00001; ExAC 0.00001; TOPMed 0.00002.

Submissions (5):

Ambry Genetics
Classification: Likely benign for Hereditary cancer-predisposing syndrome. Last evaluated: 2026-04-29. Review status: criteria provided, single submitter. Criteria: Ambry Variant Classification Scheme 2023. Collection method: clinical testing. Allele origin: germline.

Labcorp Genetics (formerly Invitae), Labcorp
Classification: Benign for Tuberous sclerosis 2. Last evaluated: 2025-10-23. Review status: criteria provided, single submitter. Criteria: Invitae Variant Classification Sherloc (09022015). Collection method: clinical testing. Allele origin: germline.

Color Diagnostics, LLC DBA Color Health
Classification: Uncertain significance for Tuberous sclerosis syndrome. Last evaluated: 2025-09-04. Review status: criteria provided, single submitter. Criteria: ACMG Guidelines, 2015. Collection method: clinical testing. Allele origin: germline.
Comment: This missense variant replaces arginine with cysteine at codon 1329 of the TSC2 protein. Computational prediction is inconclusive regarding the impact of this variant on protein structure and function. To our knowledge, functional studies have not been reported for this variant. This variant has not been reported in individuals affected with TSC2-related disorders in the literature. This variant has been identified in 2/245264 chromosomes in the general population by the Genome Aggregation Database (gnomAD). The available evidence is insufficient to determine the role of this variant in disease conclusively. Therefore, this variant is classified as a Variant of Uncertain Significance.

Genome-Nilou Lab
Classification: Likely benign for Tuberous sclerosis 2. Last evaluated: 2021-11-07. Review status: criteria provided, single submitter. Criteria: ACMG Guidelines, 2015. Collection method: clinical testing. Allele origin: germline. Affected: no.

PreventionGenetics, part of Exact Sciences
Classification: Uncertain significance for TSC2-related condition. Last evaluated: 2024-03-23. Review status: no assertion criteria provided. Collection method: clinical testing. Allele origin: germline. Not counted in ClinVar's aggregate classification.
Comment: The TSC2 c.3985C>T variant is predicted to result in the amino acid substitution p.Arg1329Cys. To our knowledge, this variant has not been reported in the literature. This variant is reported in 0.0055% of alleles in individuals of East Asian descent in gnomAD. This variant has conflicting interpretations in ClinVar ranging from variant of uncertain significance to benign. At this time, the clinical significance of this variant is uncertain due to the absence of conclusive functional and genetic evidence.